The following is an entry in ClinVar:

NM_000430.4(PAFAH1B1):c.*1042_*1043del

Gene: PAFAH1B1 (platelet activating factor acetylhydrolase 1b regulatory subunit 1; plus strand). Cytogenetic location: 17p13.3.
Variant type: Deletion.
Coding change: c.*1042_*1043del on transcript NM_000430.4 (MANE Select); 1042 bases downstream of the stop codon through 1043 bases downstream of the stop codon, 2 bases deleted (AG; older notation c.*1042_*1043delAG).
Molecular consequence: 3 prime UTR variant.
Genome position (GRCh38, 1-based): chr17:2,682,844-2,682,845, AG deleted. VCF-style (leftmost placement, unchanged base first): chr17-2682843-CAG-C. GRCh37 (hg19) VCF-style: chr17-2586137-CAG-C.
Identifiers: ClinVar variation 322277 (VCV000322277.34), dbSNP rs55976318, ClinGen allele CA10645116.
Genomic context (GRCh38, chr17:2,682,843, plus strand): 5'-TTCAACATGAATCTGATATTGATTTAAACTGTGTTTCACTTACAAGTTTTAAAAAAATGA[CAG>C]GGTTTAATGGAGCGTGCATAAAAATGTACTGTTTTCACCTTTTGTTTATATGTAAATGTT-3'

ClinVar aggregate classification (germline): Likely benign (1 of 4 stars; one submission).

Allele frequency attached by ClinVar (database versions not stated): 1000 Genomes Project 30x 0.00094; 1000 Genomes Project 0.00100; TOPMed 0.00139; gnomAD 0.00352 and 0.00373; gnomAD exomes 0.02103.

Submission:

CeGaT Center for Human Genetics Tuebingen
Classification: Likely benign. Last evaluated: 2023-05-01. Review status: criteria provided, single submitter. Criteria: CeGaT Center For Human Genetics Tuebingen Variant Classification Criteria Version 2. Collection method: clinical testing. Allele origin: germline. Affected: yes. Observed: 9 variant alleles.
Comment: PAFAH1B1: BS1